The following is an entry in ClinVar:

NM_005886.3(KATNB1):c.1313G>A (p.Arg438Gln)

Gene: KATNB1 (katanin regulatory subunit B1; plus strand). Cytogenetic location: 16q21.
Variant type: single nucleotide variant.
Coding change: c.1313G>A on transcript NM_005886.3 (MANE Select); coding-DNA position 1313, G replaced by A.
Protein change: p.Arg438Gln; replaces arginine 438 with glutamine.
Molecular consequence: missense variant.
Genome position (GRCh38, 1-based): chr16:57,755,135, G>A. VCF-style: chr16-57755135-G-A. GRCh37 (hg19) VCF-style: chr16-57789047-G-A.
Other names: short protein forms R438Q.
Identifiers: ClinVar variation 3698699 (VCV003698699.1).

ClinVar aggregate classification (germline): Uncertain significance (1 of 4 stars; one submission).

gnomAD v4.1: 26 of 1,612,648 alleles (0.0016%); highest among the groups gnomAD compares: South Asian, 0.0022%; no homozygotes.

Submission:

Labcorp Genetics (formerly Invitae), Labcorp
Classification: Uncertain significance. Last evaluated: 2024-10-17. Review status: criteria provided, single submitter. Criteria: Invitae Variant Classification Sherloc (09022015). Collection method: clinical testing. Allele origin: germline.
Comment: This sequence change replaces arginine, which is basic and polar, with glutamine, which is neutral and polar, at codon 438 of the KATNB1 protein (p.Arg438Gln). This variant is present in population databases (rs782326704, gnomAD 0.006%). This variant has not been reported in the literature in individuals affected with KATNB1-related conditions. Invitae Evidence Modeling of protein sequence and biophysical properties (such as structural, functional, and spatial information, amino acid conservation, physicochemical variation, residue mobility, and thermodynamic stability) indicates that this missense variant is not expected to disrupt KATNB1 protein function with a negative predictive value of 95%. In summary, the available evidence is currently insufficient to determine the role of this variant in disease. Therefore, it has been classified as a Variant of Uncertain Significance.